The following is an entry in ClinVar:

NM_021615.5(CHST6):c.45C>T (p.Leu15=)

Gene: CHST6 (carbohydrate sulfotransferase 6; minus strand). Cytogenetic location: 16q23.1.
Variant type: single nucleotide variant.
Coding change: c.45C>T on transcript NM_021615.5 (MANE Select); coding-DNA position 45, C replaced by T.
Protein change: p.Leu15=; no amino-acid change (leucine 15 retained).
Molecular consequence: synonymous variant.
Genome position (GRCh38, 1-based): chr16:75,479,784, G>A on the plus strand (C>T on the coding strand, the complement: CHST6 is on the minus strand). VCF-style: chr16-75479784-G-A. GRCh37 (hg19) VCF-style: chr16-75513682-G-A.
Other names: c.45C>T (NM_021615.4).
Identifiers: ClinVar variation 4750882 (VCV004750882.2).

ClinVar aggregate classification (germline): Likely benign. Review status: criteria provided, multiple submitters, no conflicts (2 of 4 stars). 2 submissions from 2 submitters: Likely benign (2). Last evaluated 2026-01-05.

Conditions:
CHST6-related disorder. Also called: CHST6-related condition.
Macular corneal dystrophy (MCD). Also called: Macular corneal dystrophy Type I; GROENOUW TYPE II CORNEAL DYSTROPHY. Identifiers: Orphanet 98969, MedGen C1636149, MONDO:0009020, OMIM 217800.

gnomAD v4.1: 13 of 1,586,756 alleles (0.00082%); highest among the groups gnomAD compares: African/African-American, 0.008%; no homozygotes.

Submissions (2):

Labcorp Genetics (formerly Invitae), Labcorp
Classification: Likely benign for Macular corneal dystrophy. Last evaluated: 2026-01-05. Review status: criteria provided, single submitter. Criteria: Invitae Variant Classification Sherloc (09022015). Collection method: clinical testing. Allele origin: germline.

PreventionGenetics, part of Exact Sciences
Classification: Likely benign for CHST6-related condition. Last evaluated: 2025-07-31. Review status: criteria provided, single submitter. Criteria: ACMG Guidelines, 2015. Collection method: clinical testing. Allele origin: germline.
Comment: This variant is classified as likely benign based on ACMG/AMP sequence variant interpretation guidelines (Richards et al. 2015 PMID: 25741868, with internal and published modifications).